The following is an entry in ClinVar:

NM_001079802.2(FKTN):c.408G>C (p.Gln136His)

Gene: FKTN (fukutin; plus strand). Cytogenetic location: 9q31.2.
Variant type: single nucleotide variant.
Coding change: c.408G>C on transcript NM_001079802.2 (MANE Select); coding-DNA position 408, G replaced by C.
Protein change: p.Gln136His; replaces glutamine 136 with histidine.
Molecular consequence: missense variant. On other transcripts: non-coding transcript variant (2).
Genome position (GRCh38, 1-based): chr9:105,604,253, G>C. VCF-style: chr9-105604253-G-C. GRCh37 (hg19) VCF-style: chr9-108366534-G-C.
Other names: c.408G>C, p.Gln136His (NM_001198963.2, NM_001351496.2, NM_001351498.2 and 1 more transcripts); c.339G>C, p.Gln113His (NM_001351497.2); c.12G>C, p.Gln4His (NM_001351499.2, NM_001351500.2, NM_001351501.2 and 1 more transcripts); short protein forms Q113H, Q136H, Q4H.
Identifiers: ClinVar variation 1737725 (VCV001737725.7), dbSNP rs755566181, ClinGen allele CA5170404.

ClinVar aggregate classification (germline): Uncertain significance. Review status: criteria provided, multiple submitters, no conflicts (2 of 4 stars). 2 submissions from 2 submitters: Uncertain significance (2). Last evaluated 2025-06-03.

Conditions:
Cardiovascular phenotype. Identifiers: MedGen CN230736.
Walker-Warburg congenital muscular dystrophy. Also called: Muscular dystrophy-dystroglycanopathy, type A; Walker-Warburg syndrome. Identifiers: Orphanet 899, MedGen C0265221, MONDO:0000171.

Allele frequency attached by ClinVar (database versions not stated): ExAC 0.00002; gnomAD exomes below 0.00001.

Submissions (2):

Ambry Genetics
Classification: Uncertain significance for Cardiovascular phenotype. Last evaluated: 2025-06-03. Review status: criteria provided, single submitter. Criteria: Ambry Variant Classification Scheme 2023. Collection method: clinical testing. Allele origin: germline.

Labcorp Genetics (formerly Invitae), Labcorp
Classification: Uncertain significance for Walker-Warburg congenital muscular dystrophy. Last evaluated: 2022-06-20. Review status: criteria provided, single submitter. Criteria: Invitae Variant Classification Sherloc (09022015). Collection method: clinical testing. Allele origin: germline.
Comment: This sequence change replaces glutamine, which is neutral and polar, with histidine, which is basic and polar, at codon 136 of the FKTN protein (p.Gln136His). This variant is present in population databases (rs755566181, gnomAD 0.003%). This variant has not been reported in the literature in individuals affected with FKTN-related conditions. Algorithms developed to predict the effect of missense changes on protein structure and function are either unavailable or do not agree on the potential impact of this missense change (SIFT: "Deleterious"; PolyPhen-2: "Benign"; Align-GVGD: "Class C0"). In summary, the available evidence is currently insufficient to determine the role of this variant in disease. Therefore, it has been classified as a Variant of Uncertain Significance.